The following is an entry in ClinVar:

NM_002878.4(RAD51D):c.399A>G (p.Leu133=)

Genes: RAD51D (RAD51 paralog D; minus strand), RAD51L3-RFFL (RAD51L3-RFFL readthrough; minus strand). Cytogenetic location: 17q12.
Variant type: single nucleotide variant.
Coding change: c.399A>G on transcript NM_002878.4 (MANE Select); coding-DNA position 399, A replaced by G.
Protein change: p.Leu133=; no amino-acid change (leucine 133 retained).
Molecular consequence: synonymous variant. On other transcripts: non-coding transcript variant (1), intron variant (1).
Genome position (GRCh38, 1-based): chr17:35,107,069, T>C on the plus strand (A>G on the coding strand, the complement: RAD51D is on the minus strand). VCF-style: chr17-35107069-T-C. GRCh37 (hg19) VCF-style: chr17-33434088-T-C.
Other names: c.459A>G, p.Leu153= (NM_001142571.2); c.145-588A>G (NM_133629.3).
Identifiers: ClinVar variation 935294 (VCV000935294.9), dbSNP rs774111609, ClinGen allele CA499731721.

ClinVar aggregate classification (germline): Benign/Likely benign. Review status: criteria provided, multiple submitters, no conflicts (2 of 4 stars). 3 submissions from 3 submitters: Benign (1); Likely benign (2). Last evaluated 2025-02-21.

Conditions:
Hereditary cancer-predisposing syndrome. Also called: Tumor predisposition; Hereditary neoplastic syndrome; Hereditary Cancer Syndrome; Neoplastic Syndromes, Hereditary. Identifiers: Orphanet 140162, MedGen C0027672, MeSH D009386, MONDO:0015356.
Breast-ovarian cancer, familial, susceptibility to, 4. Identifiers: Orphanet 145, MedGen C3280345, MONDO:0013669, OMIM 614291.

Allele frequency attached by ClinVar (database versions not stated): gnomAD 0.00001.
gnomAD v4.1: 2 of 1,613,948 alleles (0.00012%); highest among the groups gnomAD compares: Non-Finnish European, 0.00017%; no homozygotes.

Submissions (3):

Myriad Genetics, Inc.
Classification: Benign for Breast-ovarian cancer, familial, susceptibility to, 4. Last evaluated: 2025-02-21. Review status: criteria provided, single submitter. Criteria: Myriad Autosomal Dominant, Autosomal Recessive and X-Linked Classification Criteria (2023). Collection method: clinical testing. Allele origin: unknown.
Comment: This variant is considered benign. This variant is a silent/synonymous amino acid change and it is not expected to impact splicing.

Ambry Genetics
Classification: Likely benign for Hereditary cancer-predisposing syndrome. Last evaluated: 2023-06-30. Review status: criteria provided, single submitter. Criteria: Ambry Variant Classification Scheme 2023. Collection method: clinical testing. Allele origin: germline.

Labcorp Genetics (formerly Invitae), Labcorp
Classification: Likely benign for Breast-ovarian cancer, familial, susceptibility to, 4. Last evaluated: 2022-08-15. Review status: criteria provided, single submitter. Criteria: Invitae Variant Classification Sherloc (09022015). Collection method: clinical testing. Allele origin: germline.